The following is an entry in ClinVar:

NM_130839.5(UBE3A):c.367A>G (p.Thr123Ala)

Genes: SNHG14 (small nucleolar RNA host gene 14; plus strand), UBE3A (ubiquitin protein ligase E3A; minus strand). Cytogenetic location: 15q11.2.
Variant type: single nucleotide variant.
Coding change: c.367A>G on transcript NM_130839.5 (MANE Select); coding-DNA position 367, A replaced by G.
Protein change: p.Thr123Ala; replaces threonine 123 with alanine.
Molecular consequence: missense variant. On other transcripts: non-coding transcript variant (1), intron variant (2).
Genome position (GRCh38, 1-based): chr15:25,371,807, T>C on the plus strand (A>G on the coding strand, the complement: UBE3A is on the minus strand). VCF-style: chr15-25371807-T-C. GRCh37 (hg19) VCF-style: chr15-25616954-T-C.
Other names: c.376A>G, p.Thr126Ala (NM_000462.5); c.367A>G, p.Thr123Ala (NM_001354505.1, NM_001354538.2, NM_001354545.2); c.307A>G, p.Thr103Ala (NM_001354506.2, NM_001354507.2, NM_001354508.2 and 17 more transcripts); c.190A>G, p.Thr64Ala (NM_001354546.2); c.301+3658A>G (NM_001354551.2); c.361+3658A>G (NM_001354550.2); short protein forms T103A, T126A, T123A, T64A.
Identifiers: ClinVar variation 499928 (VCV000499928.9), dbSNP rs1211073576, ClinGen allele CA391356021.
Genomic context (GRCh38, chr15:25,371,807, plus strand): 5'-AATCCTCTCTTTCTCTACATAATTCAAGAATTTCATATACCTTCTCTTCTGTTAAGTAAG[T>C]CACATCTAGAAAATCAGAGGAAAAAAGAGAACATTTATTTTCATAATATGTATGTTTACT-3'
Protein context (NP_570854.1, residues 113-133): KGARIDFKDV[Thr123Ala]YLTEEKVYEI

ClinVar aggregate classification (germline): Uncertain significance. Review status: criteria provided, multiple submitters, no conflicts (2 of 4 stars). 3 submissions from 3 submitters: Uncertain significance (3). Last evaluated 2025-02-13.

Conditions:
Angelman syndrome (AS). Also called: HAPPY PUPPET SYNDROME. Identifiers: Orphanet 72, MedGen C0162635, MONDO:0007113, OMIM 105830. Disease mechanism: loss of function. Inheritance: AS is caused by disruption of maternally imprinted UBE3A located within the 15q11.2-q13 Angelman syndrome/Prader-Willi syndrome (AS/PWS) region., imprinting disorder.

Allele frequency attached by ClinVar (database versions not stated): TOPMed below 0.00001.

Submissions (3):

GeneDx
Classification: Uncertain significance. Last evaluated: 2025-02-13. Review status: criteria provided, single submitter. Criteria: GeneDx Variant Classification Process June 2021. Collection method: clinical testing. Allele origin: germline.
Comment: Not observed at significant frequency in large population cohorts (gnomAD); In silico analysis indicates that this missense variant does not alter protein structure/function; Has not been previously published as pathogenic or benign to our knowledge

Fulgent Genetics
Classification: Uncertain significance for Angelman syndrome. Last evaluated: 2021-12-13. Review status: criteria provided, single submitter. Criteria: ACMG Guidelines, 2015. Collection method: clinical testing. Allele origin: unknown.

Eurofins Ntd Llc (ga)
Classification: Uncertain significance. Last evaluated: 2017-01-24. Review status: criteria provided, single submitter. Criteria: EGL Classification Definitions 2015. Collection method: clinical testing. Allele origin: germline. Observed: 2 variant alleles, 2 heterozygotes.